The following is an entry in ClinVar:

NM_000051.4(ATM):c.1325T>C (p.Leu442Pro)

Gene: ATM (ATM serine/threonine kinase; plus strand). Cytogenetic location: 11q22.3.
Variant type: single nucleotide variant.
Coding change: c.1325T>C on transcript NM_000051.4 (MANE Select); coding-DNA position 1325, T replaced by C.
Protein change: p.Leu442Pro; replaces leucine 442 with proline.
Molecular consequence: missense variant.
Genome position (GRCh38, 1-based): chr11:108,250,790, T>C. VCF-style: chr11-108250790-T-C. GRCh37 (hg19) VCF-style: chr11-108121517-T-C.
Other names: c.1325T>C, p.Leu442Pro (NM_001351834.2); short protein forms L442P.
Identifiers: ClinVar variation 420837 (VCV000420837.11), dbSNP rs1064794732, ClinGen allele CA16619115.

ClinVar aggregate classification (germline): Uncertain significance. Review status: criteria provided, multiple submitters, no conflicts (2 of 4 stars). 2 submissions from 2 submitters: Uncertain significance (2). Last evaluated 2025-08-02.

Conditions:
Ataxia-telangiectasia syndrome (AT). Also called: Ataxia-telangiectasia, complementation group D; Cerebello-oculocutaneous telangiectasia; Immunodeficiency with ataxia telangiectasia; ATAXIA-TELANGIECTASIA, COMPLEMENTATION GROUP A; ATAXIA-TELANGIECTASIA, FRESNO VARIANT; LOUIS-BAR SYNDROME. Identifiers: Orphanet 100, MedGen C0004135, MONDO:0008840, OMIM 208900.

Submissions (2):

Labcorp Genetics (formerly Invitae), Labcorp
Classification: Uncertain significance for Ataxia-telangiectasia syndrome. Last evaluated: 2025-08-02. Review status: criteria provided, single submitter. Criteria: Invitae Variant Classification Sherloc (09022015). Collection method: clinical testing. Allele origin: germline.
Comment: This sequence change replaces leucine, which is neutral and non-polar, with proline, which is neutral and non-polar, at codon 442 of the ATM protein (p.Leu442Pro). This variant is not present in population databases (gnomAD no frequency). This missense change has been observed in individual(s) with clinical features of ataxia-telangiectasia (internal data). In at least one individual the data is consistent with being in trans (on the opposite chromosome) from a pathogenic variant. ClinVar contains an entry for this variant (Variation ID: 420837). Invitae Evidence Modeling of protein sequence and biophysical properties (such as structural, functional, and spatial information, amino acid conservation, physicochemical variation, residue mobility, and thermodynamic stability) indicates that this missense variant is not expected to disrupt ATM protein function with a negative predictive value of 95%. In summary, the available evidence is currently insufficient to determine the role of this variant in disease. Therefore, it has been classified as a Variant of Uncertain Significance.

GeneDx
Classification: Uncertain significance. Last evaluated: 2016-04-01. Review status: criteria provided, single submitter. Criteria: GeneDx Variant Classification (06012015). Collection method: clinical testing. Allele origin: germline. Affected: yes.
Comment: This variant is denoted ATM c.1325T>C at the cDNA level, p.Leu442Pro (L442P) at the protein level, and results in the change of a Leucine to a Proline (CTT>CCT). This variant has not, to our knowledge, been published in the literature as pathogenic or benign. ATM Leu442Pro was not observed in approximately 6,500 individuals of European and African American ancestry in the NHLBI Exome Sequencing Project, suggesting it is not a common benign variant in these populations. Since Leucine and Proline differ in some properties, this is considered a semi-conservative amino acid substitution. ATM Leu442Pro occurs at a position that is conserved across species and is not located in a known functional domain (Stracker 2013). In silico analyses predict that this variant is probably damaging to protein structure and function. Based on currently available evidence, it is unclear whether ATM Leu442Pro is a pathogenic or benign variant. We consider it to be a variant of uncertain significance.